The following continues an entry in ClinVar:

NM_000371.4(TTR):c.14G>A (p.Arg5His)

Gene: TTR. ClinVar aggregate classification (germline): Conflicting classifications of pathogenicity. Uncertain significance (9); Likely benign (6).

Submissions 16 to 21 of 21:

Molecular Genetics Laboratory, BC Children's and BC Women's Hospitals
Classification: Uncertain significance for Familial Transthyretin Amyloidosis. Last evaluated: 2019-08-29. Review status: no assertion criteria provided. Criteria: ACMG Guidelines, 2015. Collection method: clinical testing. Allele origin: germline. Affected: yes. Not counted in ClinVar's aggregate classification.

Clinical Genetics DNA and cytogenetics Diagnostics Lab, Erasmus MC, Erasmus Medical Center
Classification: Likely benign. Review status: no assertion criteria provided. Collection method: clinical testing. Allele origin: germline. Affected: yes. Study: VKGL Data-share Consensus. Not counted in ClinVar's aggregate classification.

Clinical Genetics, Academic Medical Center
Classification: Likely benign. Review status: no assertion criteria provided. Collection method: clinical testing. Allele origin: germline. Affected: yes. Study: VKGL Data-share Consensus. Not counted in ClinVar's aggregate classification.

Diagnostic Laboratory, Department of Genetics, University Medical Center Groningen
Classification: Likely benign. Review status: no assertion criteria provided. Collection method: clinical testing. Allele origin: germline. Affected: yes. Study: VKGL Data-share Consensus. Not counted in ClinVar's aggregate classification.

Genome Diagnostics Laboratory, University Medical Center Utrecht
Classification: Likely benign. Review status: no assertion criteria provided. Collection method: clinical testing. Allele origin: germline. Affected: yes. Study: VKGL Data-share Consensus. Not counted in ClinVar's aggregate classification.

Joint Genome Diagnostic Labs from Nijmegen and Maastricht, Radboudumc and MUMC+
Classification: Likely benign. Review status: no assertion criteria provided. Collection method: clinical testing. Allele origin: germline. Affected: yes. Study: VKGL Data-share Consensus. Not counted in ClinVar's aggregate classification.

Literature cited by the submitters: PubMed 29121657 (cited by 3 submitters); PubMed 32674397 (cited by 3 submitters); PubMed 39694818 (cited by Women's Health and Genetics/Laboratory Corporation of America, LabCorp); PubMed 30683924 (cited by Mayo Clinic Laboratories, Mayo Clinic); PubMed 31659433 (cited by Mayo Clinic Laboratories, Mayo Clinic).